The following is an entry in ClinVar:

ClinVar aggregate classification (germline): Uncertain significance (1 of 4 stars; one submission).

Conditions:
Primary ciliary dyskinesia. Also called: Ciliary dyskinesia. Identifiers: Orphanet 244, MedGen C0008780, MONDO:0016575, HP:0012265.

Submission:

Labcorp Genetics (formerly Invitae), Labcorp
Classification: Uncertain significance for Primary ciliary dyskinesia. Last evaluated: 2024-10-21. Review status: criteria provided, single submitter. Criteria: Invitae Variant Classification Sherloc (09022015). Collection method: clinical testing. Allele origin: germline.
Comment: This sequence change replaces arginine, which is basic and polar, with tryptophan, which is neutral and slightly polar, at codon 33 of the DNAAF2 protein (p.Arg33Trp). This variant is not present in population databases (gnomAD no frequency). This variant has not been reported in the literature in individuals affected with DNAAF2-related conditions. Invitae Evidence Modeling of protein sequence and biophysical properties (such as structural, functional, and spatial information, amino acid conservation, physicochemical variation, residue mobility, and thermodynamic stability) indicates that this missense variant is expected to disrupt DNAAF2 protein function with a positive predictive value of 80%. In summary, the available evidence is currently insufficient to determine the role of this variant in disease. Therefore, it has been classified as a Variant of Uncertain Significance.

NM_018139.3(DNAAF2):c.97C>T (p.Arg33Trp)

Gene: DNAAF2 (dynein axonemal assembly factor 2; minus strand). Cytogenetic location: 14q21.3.
Variant type: single nucleotide variant.
Coding change: c.97C>T on transcript NM_018139.3 (MANE Select); coding-DNA position 97, C replaced by T.
Protein change: p.Arg33Trp; replaces arginine 33 with tryptophan.
Molecular consequence: missense variant.
Genome position (GRCh38, 1-based): chr14:49,635,053, G>A on the plus strand (C>T on the coding strand, the complement: DNAAF2 is on the minus strand). VCF-style: chr14-49635053-G-A. GRCh37 (hg19) VCF-style: chr14-50101771-G-A.
Other names: c.97C>T, p.Arg33Trp (NM_001083908.2); short protein forms R33W.
Identifiers: ClinVar variation 3641614 (VCV003641614.2).